The following is an entry in ClinVar:

NM_000548.5(TSC2):c.3739del (p.Thr1247fs)

Gene: TSC2 (TSC complex subunit 2; plus strand). Cytogenetic location: 16p13.3.
Variant type: Deletion.
Coding change: c.3739del on transcript NM_000548.5 (MANE Select); coding-DNA position 3739, one base deleted (A; older notation c.3739delA).
Protein change: p.Thr1247fs; shifts the reading frame from threonine 1247.
Molecular consequence: frameshift variant.
Genome position (GRCh38, 1-based): chr16:2,081,723, A deleted. VCF-style (leftmost placement, unchanged base first): chr16-2081722-CA-C. GRCh37 (hg19) VCF-style: chr16-2131723-CA-C.
Other names: c.3607del, p.Thr1203fs (NM_001077183.3, NM_001370404.1); c.3739del, p.Thr1247fs (NM_001114382.3); c.3499del, p.Thr1167fs (NM_001318827.2); c.3463del, p.Thr1155fs (NM_001318829.2); c.3007del, p.Thr1003fs (NM_001318831.2); c.3640del, p.Thr1214fs (NM_001318832.2); c.3610del, p.Thr1204fs (NM_001363528.2, NM_001370405.1, NM_021055.3); short protein forms T1003fs, T1155fs, T1204fs, T1214fs, T1203fs, T1167fs, T1247fs.
Identifiers: ClinVar variation 207791 (VCV000207791.1), dbSNP rs796053517, ClinGen allele CA319607.

ClinVar aggregate classification (germline): Pathogenic (1 of 4 stars; one submission).

Submission:

GeneDx
Classification: Pathogenic. Last evaluated: 2015-01-17. Review status: criteria provided, single submitter. Criteria: GeneDx Variant Classification (06012015). Collection method: clinical testing. Allele origin: germline. Affected: yes.
Comment: c.3739delA: p.Thr1247GlnfsX78 (T1247QfsX78) in exon 31 of the TSC2 gene (NM_000548.3) The normal sequence with the base that is deleted in braces is: GGAC{A}CAGC. The c.3739delA mutation in the TSC2 gene causes a frameshift starting with codon Threonine 1247, changes this amino acid to a Glutamine residue and creates a premature Stop codon at position 78 of the new reading frame, denoted p.Thr1247GlnfsX78. This mutation is predicted to cause loss of normal protein function either through protein truncation or nonsense-mediated mRNA decay. Although this mutation has not been previously reported to our knowledge, other frameshift mutations in the TSC2 gene have been reported in association with tuberous sclerosis complex (TSC) (TSC2 LOVD). The variant is found in TUBSC-EPIV2-1 panel(s).